The following is an entry in ClinVar:

NM_002439.5(MSH3):c.735T>C (p.Asp245=)

Gene: MSH3 (mutS homolog 3; plus strand). Cytogenetic location: 5q14.1.
Variant type: single nucleotide variant.
Coding change: c.735T>C on transcript NM_002439.5 (MANE Select); coding-DNA position 735, T replaced by C.
Protein change: p.Asp245=; no amino-acid change (aspartic acid 245 retained).
Molecular consequence: synonymous variant.
Genome position (GRCh38, 1-based): chr5:80,670,252, T>C. VCF-style: chr5-80670252-T-C. GRCh37 (hg19) VCF-style: chr5-79966071-T-C.
Identifiers: ClinVar variation 1107018 (VCV001107018.35), dbSNP rs1161728755, ClinGen allele CA445158698.
Genomic context (GRCh38, chr5:80,670,252, plus strand): 5'-CAAAAGCATCTATACGCCGCTAGAATTACAATACATAGAAATGAAGCAGCAGCACAAAGA[T>C]GCAGTTTTGTGTGTGGAATGTGGATATAAGTATAGATTCTTTGGGGAAGATGCAGAGGTA-3'
Protein context (NP_002430.3, residues 235-255): QYIEMKQQHK[Asp245=]AVLCVECGYK

ClinVar aggregate classification (germline): Likely benign. Review status: criteria provided, multiple submitters, no conflicts (2 of 4 stars). 3 submissions from 3 submitters: Likely benign (3). Last evaluated 2025-11-27.

Conditions:
Hereditary cancer-predisposing syndrome. Also called: Neoplastic Syndromes, Hereditary; Tumor predisposition; Hereditary neoplastic syndrome; Hereditary Cancer Syndrome. Identifiers: Orphanet 140162, MedGen C0027672, MeSH D009386, MONDO:0015356.

Allele frequency attached by ClinVar (database versions not stated): gnomAD exomes below 0.00001 and 0.00001.
gnomAD v4.1: 7 of 1,614,144 alleles (0.00043%); highest among the groups gnomAD compares: Non-Finnish European, 0.00059%; no homozygotes.

Submissions (3):

Labcorp Genetics (formerly Invitae), Labcorp
Classification: Likely benign. Last evaluated: 2025-11-27. Review status: criteria provided, single submitter. Criteria: Invitae Variant Classification Sherloc (09022015). Collection method: clinical testing. Allele origin: germline.

CeGaT Center for Human Genetics Tuebingen
Classification: Likely benign. Last evaluated: 2023-03-01. Review status: criteria provided, single submitter. Criteria: CeGaT Center For Human Genetics Tuebingen Variant Classification Criteria Version 2. Collection method: clinical testing. Allele origin: germline. Affected: yes. Observed: 1 variant allele.
Comment: MSH3: BP4, BP7

Ambry Genetics
Classification: Likely benign for Hereditary cancer-predisposing syndrome. Last evaluated: 2019-06-09. Review status: criteria provided, single submitter. Criteria: Ambry Variant Classification Scheme 2023. Collection method: clinical testing. Allele origin: germline.